The following is an entry in ClinVar:

ClinVar aggregate classification (germline): Uncertain significance. Review status: criteria provided, multiple submitters, no conflicts (2 of 4 stars). 2 submissions from 2 submitters: Uncertain significance (2). Last evaluated 2025-11-11.

Conditions:
Inborn genetic diseases. Identifiers: MedGen C0950123, MeSH D030342.

Allele frequency attached by ClinVar (database versions not stated): TOPMed below 0.00001; gnomAD 0.00001.
gnomAD v4.1: 1 of 1,613,862 alleles (0.000062%); highest among the groups gnomAD compares: African/African-American, 0.0013%; no homozygotes.

Submissions (2):

Ambry Genetics
Classification: Uncertain significance for Inborn genetic diseases. Last evaluated: 2025-11-11. Review status: criteria provided, single submitter. Criteria: Ambry Variant Classification Scheme 2023. Collection method: clinical testing. Allele origin: germline.

Labcorp Genetics (formerly Invitae), Labcorp
Classification: Uncertain significance. Last evaluated: 2021-03-31. Review status: criteria provided, single submitter. Criteria: Invitae Variant Classification Sherloc (09022015). Collection method: clinical testing. Allele origin: germline.
Comment: This sequence change replaces arginine with methionine at codon 716 of the COL7A1 protein (p.Arg716Met). The arginine residue is moderately conserved and there is a moderate physicochemical difference between arginine and methionine. This variant is not present in population databases (ExAC no frequency). This variant has not been reported in the literature in individuals with COL7A1-related conditions. Advanced modeling of protein sequence and biophysical properties (such as structural, functional, and spatial information, amino acid conservation, physicochemical variation, residue mobility, and thermodynamic stability) performed at Invitae indicates that this missense variant is expected to disrupt COL7A1 protein function. In summary, the available evidence is currently insufficient to determine the role of this variant in disease. Therefore, it has been classified as a Variant of Uncertain Significance.

NM_000094.4(COL7A1):c.2147G>T (p.Arg716Met)

Gene: COL7A1 (collagen type VII alpha 1 chain; minus strand). Cytogenetic location: 3p21.31.
Variant type: single nucleotide variant.
Coding change: c.2147G>T on transcript NM_000094.4 (MANE Select); coding-DNA position 2147, G replaced by T.
Protein change: p.Arg716Met; replaces arginine 716 with methionine.
Molecular consequence: missense variant.
Genome position (GRCh38, 1-based): chr3:48,589,622, C>A on the plus strand (G>T on the coding strand, the complement: COL7A1 is on the minus strand). VCF-style: chr3-48589622-C-A. GRCh37 (hg19) VCF-style: chr3-48627055-C-A.
Other names: short protein forms R716M.
Identifiers: ClinVar variation 2155878 (VCV002155878.2), dbSNP rs2045550281, ClinGen allele CA352725253.
Genomic context (GRCh38, chr3:48,589,622, plus strand): 5'-CACCCTGACCTGCCCCCTCCCAAACCCCAGTCCCCACCGTGGGCTGAGTGCCAGGAAACC[C>A]TGTATCCTGTGGCGCCAGGAACCCTGGTCCAGGTAATGGTGACAGATGAGCTGCTGGCCT-3'
Protein context (NP_000085.1, residues 706-726): WTRVPGATGY[Arg716Met]VSWHSAHGPE